The following is an entry in ClinVar:

ClinVar aggregate classification (germline): Uncertain significance (1 of 4 stars; one submission).

Conditions:
Cardiomyopathy (CMYO). Also called: Cardiomyopathies. Identifiers: Orphanet 167848, MedGen C0878544, MONDO:0004994, HP:0001638. Inheritance: Various modes of inheritance.

Submission:

Color Diagnostics, LLC DBA Color Health
Classification: Uncertain significance for Cardiomyopathy. Last evaluated: 2024-03-07. Review status: criteria provided, single submitter. Criteria: ACMG Guidelines, 2015. Collection method: clinical testing. Allele origin: germline.
Comment: This missense variant replaces glutamic acid with aspartic acid at codon 384 of the DSG2 protein. Computational prediction suggests that this variant may not impact protein structure and function (internally defined REVEL score threshold <= 0.5, PMID: 27666373). Splice site prediction tools suggest that this variant may not impact RNA splicing. To our knowledge, functional studies have not been performed for this variant. This variant has not been reported in individuals affected with cardiovascular disorders in the literature. This variant has not been identified in the general population by the Genome Aggregation Database (gnomAD). The available evidence is insufficient to determine the role of this variant in disease conclusively. Therefore, this variant is classified as a Variant of Uncertain Significance.

NM_001943.5(DSG2):c.1152A>C (p.Glu384Asp)

Gene: DSG2 (desmoglein 2; plus strand). Cytogenetic location: 18q12.1.
Variant type: single nucleotide variant.
Coding change: c.1152A>C on transcript NM_001943.5 (MANE Select); coding-DNA position 1152, A replaced by C.
Protein change: p.Glu384Asp; replaces glutamic acid 384 with aspartic acid.
Molecular consequence: missense variant.
Genome position (GRCh38, 1-based): chr18:31,531,124, A>C. VCF-style: chr18-31531124-A-C. GRCh37 (hg19) VCF-style: chr18-29111087-A-C.
Other names: short protein forms E384D.
Identifiers: ClinVar variation 921966 (VCV000921966.4), dbSNP rs2073195608, ClinGen allele CA402138858.